The following is an entry in ClinVar:

NM_024642.5(GALNT12):c.1341G>T (p.Gly447=)

Gene: GALNT12 (polypeptide N-acetylgalactosaminyltransferase 12; plus strand). Cytogenetic location: 9q22.33.
Variant type: single nucleotide variant.
Coding change: c.1341G>T on transcript NM_024642.5 (MANE Select); coding-DNA position 1341, G replaced by T.
Protein change: p.Gly447=; no amino-acid change (glycine 447 retained).
Molecular consequence: synonymous variant.
Genome position (GRCh38, 1-based): chr9:98,840,130, G>T. VCF-style: chr9-98840130-G-T. GRCh37 (hg19) VCF-style: chr9-101602412-G-T.
Identifiers: ClinVar variation 2624766 (VCV002624766.4), dbSNP rs1836252086, ClinGen allele CA466425166.
Genomic context (GRCh38, chr9:98,840,130, plus strand): 5'-GTTCTTGGAGACTGTGTATCCAGAACTGCATGTGCCTGAGGACAGGCCTGGCTTCTTCGG[G>T]ATGGTGAGTGAGGGTGGTGGGCCCACGGCAGGCAGGGACTTCCCTGGCCTCTGGGTCTGC-3'
Protein context (NP_078918.3, residues 437-457): HVPEDRPGFF[Gly447=]MLQNKGLTDY

ClinVar aggregate classification (germline): Conflicting classifications of pathogenicity. Review status: criteria provided, conflicting classifications (1 of 4 stars). 3 submissions from 3 submitters: Uncertain significance (2); Benign (1). Last evaluated 2026-08-06.

Conditions:
Colorectal cancer, susceptibility to, 1. Also called: COLORECTAL ADENOMA AND CANCER, SUSCEPTIBILITY TO; COLORECTAL CANCER, SUSCEPTIBILITY TO, ON CHROMOSOME 9. Identifiers: MedGen C1837315, MONDO:0012132, OMIM 608812.

gnomAD v4.1: 1 of 1,613,262 alleles (0.000062%); no homozygotes.

Submissions (3):

OLLIN Analises Genomicas, OLLIN
Classification: Uncertain significance for Colorectal cancer, susceptibility to, 1. Last evaluated: 2026-08-06. Review status: criteria provided, single submitter. Criteria: ACMG Guidelines 2015 PMID 25741868. Collection method: clinical testing. Allele origin: germline.
Comment: This synonymous variant, located in exon 7 (of 10), has been reported in ClinVar (accession VCV002624766.3) and in gnomAD with an allele frequency of 0.000062%. However, to our knowledge, it has not been reported in the scientific literature. According to the currently available evidence, this variant has been classified as uncertain significance (PM2_P, PP3).

Myriad Genetics, Inc.
Classification: Benign for Colorectal cancer, susceptibility to, 1. Last evaluated: 2026-04-27. Review status: criteria provided, single submitter. Criteria: Myriad Autosomal Dominant, Autosomal Recessive and X-Linked Classification Criteria (2023). Collection method: clinical testing. Allele origin: unknown.
Comment: This variant is considered benign. This variant is a silent/synonymous amino acid change and it is not expected to impact splicing.

Ambry Genetics
Classification: Uncertain significance. Last evaluated: 2023-09-02. Review status: criteria provided, single submitter. Criteria: Ambry Variant Classification Scheme 2023. Collection method: clinical testing. Allele origin: germline.
Comment: The c.1341G>T variant (also known as p.G447G), located in coding exon 7 of the GALNT12 gene, results from a G to T substitution at nucleotide position 1341. This nucleotide substitution does not change the glycine at codon 447. This nucleotide position is not well conserved in available vertebrate species. In silico splice site analysis predicts that this alteration will result in the creation or strengthening of a novel splice donor site. The evidence for this gene-disease relationship is limited; therefore, the clinical significance of this alteration is unclear.